The following is an entry in ClinVar:

NM_198253.3(TERT):c.3325G>A (p.Gly1109Arg)

Gene: TERT (telomerase reverse transcriptase; minus strand). Cytogenetic location: 5p15.33.
Variant type: single nucleotide variant.
Coding change: c.3325G>A on transcript NM_198253.3 (MANE Select); coding-DNA position 3325, G replaced by A.
Protein change: p.Gly1109Arg; replaces glycine 1109 with arginine.
Molecular consequence: missense variant. On other transcripts: non-coding transcript variant (2).
Genome position (GRCh38, 1-based): chr5:1,253,802, C>T on the plus strand (G>A on the coding strand, the complement: TERT is on the minus strand). VCF-style: chr5-1253802-C-T. GRCh37 (hg19) VCF-style: chr5-1253917-C-T.
Other names: c.3136G>A, p.Gly1046Arg (NM_001193376.3); short protein forms G1109R, G1046R.
Identifiers: ClinVar variation 1366369 (VCV001366369.8), dbSNP rs2126557234, ClinGen allele CA359066797.
Genomic context (GRCh38, chr5:1,253,802, plus strand): 5'-TCTTGAAGTCTGAGGGCAGTGCCGGGTTGGCTGCGGCCTCCAGGGCAGTCAGCGTCGTCC[C>T]CGGGAGCTTCCGACTCAGCTGCGTCTGGGCTGCGGGGCCAAAATCAGACTCCGTTCCAGA-3'
Protein context (NP_937983.2, residues 1099-1119): AQTQLSRKLP[Gly1109Arg]TTLTALEAAA

ClinVar aggregate classification (germline): Uncertain significance (1 of 4 stars; one submission).

Conditions:
Idiopathic Pulmonary Fibrosis. Also called: Idiopathic fibrosing alveolitis, chronic form; idiopathic fibrosing alveolitis. Identifiers: Orphanet 2032, MedGen C1800706, MeSH D054990, MONDO:0800504.
Dyskeratosis congenita, autosomal dominant 2. Identifiers: MedGen C3151443, MONDO:0013521, OMIM 613989.

Submission:

Labcorp Genetics (formerly Invitae), Labcorp
Classification: Uncertain significance for Dyskeratosis congenita, autosomal dominant 2; Idiopathic Pulmonary Fibrosis. Last evaluated: 2020-11-24. Review status: criteria provided, single submitter. Criteria: Invitae Variant Classification Sherloc (09022015). Collection method: clinical testing. Allele origin: germline.
Comment: In summary, the available evidence is currently insufficient to determine the role of this variant in disease. Therefore, it has been classified as a Variant of Uncertain Significance. Experimental studies have shown that this variant affects TERT protein function (PMID: 21520174). This variant has been observed in individual(s) with cirrhosis (PMID: 21520174). This variant is not present in population databases (ExAC no frequency). This sequence change replaces glycine with arginine at codon 1109 of the TERT protein (p.Gly1109Arg). The glycine residue is weakly conserved and there is a moderate physicochemical difference between glycine and arginine.

Literature cited by the submitters: PubMed 21520174.